The following is an entry in ClinVar:

NM_002878.4(RAD51D):c.167dup (p.Leu57fs)

Genes: RAD51D (RAD51 paralog D; minus strand), RAD51L3-RFFL (RAD51L3-RFFL readthrough; minus strand). Cytogenetic location: 17q12.
Variant type: Duplication.
Coding change: c.167dup on transcript NM_002878.4 (MANE Select); coding-DNA position 167, one base duplicated (T; older notation c.167dupT).
Protein change: p.Leu57fs; shifts the reading frame from leucine 57.
Molecular consequence: frameshift variant. On other transcripts: intron variant (2).
Genome position (GRCh38, 1-based): chr17:35,118,597, A duplicated on the plus strand (T on the coding strand, the reverse complement: RAD51D is on the minus strand). VCF-style (leftmost placement, unchanged base first): chr17-35118596-C-CA. GRCh37 (hg19) VCF-style: chr17-33445615-C-CA.
Other names: c.144+514dup (NM_133629.3, NM_001142571.2); short protein forms L57fs.
Identifiers: ClinVar variation 1074165 (VCV001074165.7), dbSNP rs2142474668, ClinGen allele CA2499224282.

ClinVar aggregate classification (germline): Pathogenic (1 of 4 stars; one submission).

Conditions:
Breast-ovarian cancer, familial, susceptibility to, 4. Identifiers: Orphanet 145, MedGen C3280345, MONDO:0013669, OMIM 614291.

Submission:

Labcorp Genetics (formerly Invitae), Labcorp
Classification: Pathogenic for Breast-ovarian cancer, familial, susceptibility to, 4. Last evaluated: 2020-02-26. Review status: criteria provided, single submitter. Criteria: Invitae Variant Classification Sherloc (09022015). Collection method: clinical testing. Allele origin: germline.
Comment: For these reasons, this variant has been classified as Pathogenic. Loss-of-function variants in RAD51D are known to be pathogenic (PMID: 21822267). This variant has not been reported in the literature in individuals with RAD51D-related conditions. This variant is not present in population databases (ExAC no frequency). This sequence change creates a premature translational stop signal (p.Leu57Alafs*14) in the RAD51D gene. It is expected to result in an absent or disrupted protein product.

Literature cited by the submitters: PubMed 21822267.